The following is an entry in ClinVar:

ClinVar aggregate classification (germline): Uncertain significance (1 of 4 stars; one submission).

Conditions:
Holoprosencephaly 3 (HPE3). Identifiers: Orphanet 2162, MedGen C1840529, MONDO:0007733, OMIM 142945.

Allele frequency attached by ClinVar (database versions not stated): TOPMed below 0.00001; gnomAD 0.00001.
gnomAD v4.1: 2 of 152,202 alleles (0.0013%); highest among the groups gnomAD compares: African/African-American, 0.0048%; no homozygotes.

Submission:

Labcorp Genetics (formerly Invitae), Labcorp
Classification: Uncertain significance for Holoprosencephaly 3. Last evaluated: 2023-03-30. Review status: criteria provided, single submitter. Criteria: Invitae Variant Classification Sherloc (09022015). Collection method: clinical testing. Allele origin: germline.
Comment: In summary, the available evidence is currently insufficient to determine the role of this variant in disease. Therefore, it has been classified as a Variant of Uncertain Significance. Experimental studies and prediction algorithms are not available or were not evaluated, and the functional significance of this variant is currently unknown. This variant has not been reported in the literature in individuals affected with SHH-related conditions. This variant is present in population databases (no rsID available, gnomAD 0.02%). This variant occurs in a non-coding region of the SHH gene. It does not change the encoded amino acid sequence of the SHH protein.

NC_000007.14:g.156779229T>C

Genes: LMBR1 (limb development membrane protein 1; minus strand), SHH (sonic hedgehog signaling molecule; minus strand). Cytogenetic location: 7q36.3.
Variant type: single nucleotide variant.
Molecular consequence: intron variant (on NM_022458.4).
Genome position: GRCh38 VCF-style: chr7-156779229-T-C. GRCh37 (hg19) VCF-style: chr7-156571923-T-C.
Other names: c.-34+426A>G (NM_001350956.2, NM_001350955.2, NM_001363413.2 and 1 more transcripts); c.55-15434A>G (NM_001350957.2, NM_001363411.2); c.424-15434A>G (NM_022458.4, NM_001363409.2, NM_001350953.2 and 1 more transcripts); c.361-15434A>G (NM_001363412.2); c.145-15434A>G (NM_001350954.2).
Identifiers: ClinVar variation 2850927 (VCV002850927.3), dbSNP rs1190712791, ClinGen allele CA579060305.